The following is an entry in ClinVar:

ClinVar aggregate classification (germline): Benign. Review status: criteria provided, multiple submitters, no conflicts (2 of 4 stars). 2 submissions from 2 submitters: Benign (2). Last evaluated 2018-01-13.

Conditions:
Hyperprolinemia type 2 (HYRPRO2). Also called: 1-PYRROLINE-5-CARBOXYLATE DEHYDROGENASE DEFICIENCY; Deficiency of pyrroline-5-carboxylate reductase; Delta-1-pyrroline-5-carboxylate dehydrogenase deficiency. Identifiers: Orphanet 79101, MedGen C2931835, MONDO:0009401, OMIM 239510.

Allele frequency attached by ClinVar (database versions not stated): 1000 Genomes Project 0.19329; 1000 Genomes Project 30x 0.19613; gnomAD 0.24248; gnomAD exomes 0.24590; TOPMed 0.25477.
gnomAD v4.1: 38,286 of 152,182 alleles (25%); highest among the groups gnomAD compares: Middle Eastern, 31%; 4,968 homozygotes.

Submissions (2):

Illumina Laboratory Services, Illumina
Classification: Benign for Hyperprolinemia type 2. Last evaluated: 2018-01-13. Review status: criteria provided, single submitter. Criteria: ICSL Variant Classification Criteria 13 December 2019. Collection method: clinical testing. Allele origin: germline.
Comment: This variant was observed in the ICSL laboratory as part of a predisposition screen in an ostensibly healthy population. It had not been previously curated by ICSL or reported in the Human Gene Mutation Database (HGMD: prior to June 1st, 2018), and was therefore a candidate for classification through an automated scoring system. Utilizing variant allele frequency, disease prevalence and penetrance estimates, and inheritance mode, an automated score was calculated to assess if this variant is too frequent to cause the disease. Based on the score and internal cut-off values, a variant classified as benign is not then subjected to further curation. The score for this variant resulted in a classification of benign for this disease.

Breakthrough Genomics
Classification: Benign. Review status: criteria provided, single submitter. Criteria: ACMG Guidelines, 2015. Collection method: not provided. Allele origin: germline. Inheritance: Autosomal recessive inheritance. Affected: yes.

NM_003748.4(ALDH4A1):c.*921G>A

Gene: ALDH4A1 (aldehyde dehydrogenase 4 family member A1; minus strand). Cytogenetic location: 1p36.13.
Variant type: single nucleotide variant.
Coding change: c.*921G>A on transcript NM_003748.4 (MANE Select); 921 bases downstream of the stop codon, G replaced by A.
Molecular consequence: 3 prime UTR variant. On other transcripts: intron variant (1).
Genome position (GRCh38, 1-based): chr1:18,871,924, C>T on the plus strand (G>A on the coding strand, the complement: ALDH4A1 is on the minus strand). VCF-style: chr1-18871924-C-T. GRCh37 (hg19) VCF-style: chr1-19198418-C-T.
Other names: c.*921G>A (NM_001161504.2, NM_001319218.2); c.*42-134G>A (NM_170726.3).
Identifiers: ClinVar variation 294342 (VCV000294342.6), dbSNP rs1138269, ClinGen allele CA10608588.